The following is an entry in ClinVar:

ClinVar aggregate classification (germline): Uncertain significance (1 of 4 stars; one submission).

Allele frequency attached by ClinVar (database versions not stated): gnomAD exomes below 0.00001.
gnomAD v4.1: 1 of 1,613,986 alleles (0.000062%); highest among the groups gnomAD compares: South Asian, 0.0011%; no homozygotes.

Submission:

Ambry Genetics
Classification: Uncertain significance. Last evaluated: 2023-02-04. Review status: criteria provided, single submitter. Criteria: Ambry Variant Classification Scheme 2023. Collection method: clinical testing. Allele origin: germline.
Comment: The p.A1074V variant (also known as c.3221C>T), located in coding exon 18 of the PALLD gene, results from a C to T substitution at nucleotide position 3221. The alanine at codon 1074 is replaced by valine, an amino acid with similar properties. This amino acid position is conserved. In addition, the in silico prediction for this alteration is inconclusive. Since supporting evidence is limited at this time, the clinical significance of this alteration remains unclear.

NM_001166108.2(PALLD):c.3272C>T (p.Ala1091Val)

Genes: CBR4 (carbonyl reductase 4; minus strand), PALLD (palladin, cytoskeletal associated protein; plus strand). Cytogenetic location: 4q32.3.
Variant type: single nucleotide variant.
Coding change: c.3272C>T on transcript NM_001166108.2 (MANE Select); coding-DNA position 3272, C replaced by T.
Protein change: p.Ala1091Val; replaces alanine 1091 with valine.
Molecular consequence: missense variant.
Genome position (GRCh38, 1-based): chr4:168,924,992, C>T. VCF-style: chr4-168924992-C-T. GRCh37 (hg19) VCF-style: chr4-169846143-C-T.
Other names: c.2075C>T, p.Ala692Val (NM_001166109.2); c.1760C>T, p.Ala587Val (NM_001166110.2); c.1100C>T, p.Ala367Val (NM_001367567.1, NM_001367569.1); c.1151C>T, p.Ala384Val (NM_001367568.1, NM_001367570.1); c.3221C>T, p.Ala1074Val (NM_016081.4); short protein forms A1074V, A1091V, A367V, A692V, A384V, A587V.
Identifiers: ClinVar variation 2448490 (VCV002448490.2), dbSNP rs1334174398, ClinGen allele CA358713736.